The following is an entry in ClinVar:

NM_001868.4(CPA1):c.184C>T (p.Pro62Ser)

Gene: CPA1 (carboxypeptidase A1; plus strand). Cytogenetic location: 7q32.2.
Variant type: single nucleotide variant.
Coding change: c.184C>T on transcript NM_001868.4 (MANE Select); coding-DNA position 184, C replaced by T.
Protein change: p.Pro62Ser; replaces proline 62 with serine.
Molecular consequence: missense variant.
Genome position (GRCh38, 1-based): chr7:130,381,666, C>T. VCF-style: chr7-130381666-C-T. GRCh37 (hg19) VCF-style: chr7-130021507-C-T.
Other names: short protein forms P62S.
Identifiers: ClinVar variation 4233095 (VCV004233095.1).

ClinVar aggregate classification (germline): Uncertain significance (1 of 4 stars; one submission).

Conditions:
Hereditary pancreatitis (PCTT). Also called: Hereditary chronic pancreatitis; PRSS1-Related Hereditary Pancreatitis. Identifiers: Orphanet 676, MedGen C0238339, MONDO:0008185, OMIM 167800.

Submission:

Ambry Genetics
Classification: Uncertain significance for Hereditary pancreatitis. Last evaluated: 2025-07-25. Review status: criteria provided, single submitter. Criteria: Ambry Variant Classification Scheme 2023. Collection method: clinical testing. Allele origin: germline.
Comment: The p.P62S variant (also known as c.184C>T), located in coding exon 3 of the CPA1 gene, results from a C to T substitution at nucleotide position 184. The proline at codon 62 is replaced by serine, an amino acid with similar properties. This amino acid position is conserved. In addition, this alteration is predicted to be tolerated by in silico analysis. Based on the available evidence, the clinical significance of this variant remains unclear.